The following is an entry in ClinVar:

ClinVar aggregate classification (germline): Pathogenic. Review status: criteria provided, single submitter (1 of 4 stars). 2 submissions from 2 submitters: Pathogenic (1). 1 of the submissions does not count toward it. Last evaluated 2015-09-09.

Conditions:
Cerebral visual impairment and intellectual disability.
AHDC1-related intellectual disability - obstructive sleep apnea - mild dysmorphism syndrome. Also called: Xia-Gibbs syndrome. Identifiers: Orphanet 412069, MedGen C4014419, MONDO:0014358, OMIM 615829.

Submissions (2):

Lupski Lab, Baylor-Hopkins CMG, Baylor College of Medicine
Classification: Pathogenic for Cerebral visual impairment and intellectual disability. Last evaluated: 2015-09-09. Review status: criteria provided, single submitter. Criteria: Bosch et al. (EJHG 2015). Collection method: research. Allele origin: de novo. Inheritance: Autosomal dominant inheritance. Affected: yes. Observed: 1 variant allele, 1 heterozygote.
Comment: This study shows that diverse genetic causes underlie CVI.

Solve-RD Consortium
Classification: Likely pathogenic for AHDC1-related intellectual disability - obstructive sleep apnea - mild dysmorphism syndrome. Last evaluated: 2022-06-01. Review status: no assertion criteria provided. Collection method: provider interpretation. Allele origin: inherited. Affected: yes. Not counted in ClinVar's aggregate classification.
Comment: Variant confirmed as disease-causing by referring clinical team

Variant identified during reanalysis of unsolved cases by the Solve-RD project. The Solve-RD project has received funding from the European Union’s Horizon 2020 research and innovation programme under grant agreement No 779257.

Literature cited by the submitters: PubMed 39825153 (cited by Solve-RD Consortium).

NM_001371928.1(AHDC1):c.1402dup (p.Cys468fs)

Gene: AHDC1 (AT-hook DNA binding motif containing 1; minus strand). Cytogenetic location: 1p36.11.
Variant type: Duplication.
Coding change: c.1402dup on transcript NM_001371928.1 (MANE Select); coding-DNA position 1402, one base duplicated (T; older notation c.1402dupT).
Protein change: p.Cys468fs; shifts the reading frame from cysteine 468.
Molecular consequence: frameshift variant.
Genome position (GRCh38, 1-based): chr1:27,550,714, A duplicated on the plus strand (T on the coding strand, the reverse complement: AHDC1 is on the minus strand). VCF-style (leftmost placement, unchanged base first): chr1-27550713-C-CA. GRCh37 (hg19) VCF-style: chr1-27877224-C-CA.
Other names: c.1402dup, p.Cys468fs (NM_001029882.3); short protein forms C468fs.
Identifiers: ClinVar variation 224806 (VCV000224806.3), dbSNP rs869312858, ClinGen allele CA357912.